The following is an entry in ClinVar:

NM_000610.4(CD44):c.648A>C (p.Thr216=)

Gene: CD44 (CD44 molecule (IN blood group); plus strand). Cytogenetic location: 11p13.
Variant type: single nucleotide variant.
Coding change: c.648A>C on transcript NM_000610.4 (MANE Select); coding-DNA position 648, A replaced by C.
Protein change: p.Thr216=; no amino-acid change (threonine 216 retained).
Molecular consequence: synonymous variant. On other transcripts: intron variant (1).
Genome position (GRCh38, 1-based): chr11:35,190,046, A>C. VCF-style: chr11-35190046-A-C. GRCh37 (hg19) VCF-style: chr11-35211593-A-C.
Other names: c.648A>C, p.Thr216= (NM_001001389.2, NM_001001390.2, NM_001001391.2 and 3 more transcripts); c.233+13306A>C (NM_001001392.2).
Identifiers: ClinVar variation 3043576 (VCV003043576.2), dbSNP rs769999943, ClinGen allele CA5946445.

ClinVar aggregate classification (germline): Likely benign (0 of 4 stars; one submission).

Conditions:
CD44-related disorder. Also called: CD44-related condition.

Allele frequency attached by ClinVar (database versions not stated): gnomAD 0.00004; TOPMed 0.00004; ExAC 0.00007.
gnomAD v4.1: 164 of 1,613,818 alleles (0.01%); highest among the groups gnomAD compares: Non-Finnish European, 0.014%; no homozygotes.

Submission:

PreventionGenetics, part of Exact Sciences
Classification: Likely benign for CD44-related condition. Last evaluated: 2019-07-01. Review status: no assertion criteria provided. Collection method: clinical testing. Allele origin: germline.
Comment: This variant is classified as likely benign based on ACMG/AMP sequence variant interpretation guidelines (Richards et al. 2015 PMID: 25741868, with internal and published modifications).